The following is an entry in ClinVar:

NM_001286581.2(PHRF1):c.998C>T (p.Thr333Ile)

Gene: PHRF1 (PHD and ring finger domains 1; plus strand). Cytogenetic location: 11p15.5.
Variant type: single nucleotide variant.
Coding change: c.998C>T on transcript NM_001286581.2 (MANE Select); coding-DNA position 998, C replaced by T.
Protein change: p.Thr333Ile; replaces threonine 333 with isoleucine.
Molecular consequence: missense variant.
Genome position (GRCh38, 1-based): chr11:598,476, C>T. VCF-style: chr11-598476-C-T. GRCh37 (hg19) VCF-style: chr11-598476-C-T.
Other names: c.995C>T, p.Thr332Ile (NM_001286582.2); c.986C>T, p.Thr329Ile (NM_001286583.2); c.998C>T, p.Thr333Ile (NM_020901.4); short protein forms T332I, T329I, T333I.
Identifiers: ClinVar variation 4982910 (VCV004982910.1).

ClinVar aggregate classification (germline): Uncertain significance (1 of 4 stars; one submission).

Conditions:
PHRF1-related disorder. Also called: PHRF1-related condition.

gnomAD v4.1: 1 of 1,610,014 alleles (0.000062%); highest among the groups gnomAD compares: Non-Finnish European, 0.000085%; no homozygotes.

Submission:

PreventionGenetics, part of Exact Sciences
Classification: Uncertain significance for PHRF1-related condition. Last evaluated: 2026-08-21. Review status: criteria provided, single submitter. Criteria: ACMG Guidelines, 2015. Collection method: clinical testing. Allele origin: germline.
Comment: The PHRF1 c.998C>T variant is predicted to result in the amino acid substitution p.Thr333Ile. To our knowledge, this variant has not been reported in the literature or in a large population database (gnomAD), indicating this variant is rare. At this time, the clinical significance of this variant is uncertain due to the absence of conclusive functional and genetic evidence.